The following is an entry in ClinVar:

ClinVar aggregate classification (germline): Uncertain significance (1 of 4 stars; one submission).

Conditions:
Glanzmann thrombasthenia. Also called: THROMBASTHENIA OF GLANZMANN AND NAEGELI; BLEEDING DISORDER, PLATELET-TYPE, 2; Glanzmann's thrombasthenia; PLATELET GLYCOPROTEIN IIb-IIIa DEFICIENCY; Thrombasthenia. Identifiers: Orphanet 849, MedGen C0040015, MONDO:0100326.

Allele frequency attached by ClinVar (database versions not stated): gnomAD exomes below 0.00001; ExAC 0.00001.
gnomAD v4.1: 2 of 1,613,828 alleles (0.00012%); highest among the groups gnomAD compares: Non-Finnish European, 0.00017%; no homozygotes.

Submission:

Labcorp Genetics (formerly Invitae), Labcorp
Classification: Uncertain significance for Glanzmann thrombasthenia. Last evaluated: 2023-03-09. Review status: criteria provided, single submitter. Criteria: Invitae Variant Classification Sherloc (09022015). Collection method: clinical testing. Allele origin: germline.
Comment: This sequence change replaces glutamine, which is neutral and polar, with arginine, which is basic and polar, at codon 837 of the ITGA2B protein (p.Gln837Arg). This variant is present in population databases (rs754155772, gnomAD 0.0009%). This variant has not been reported in the literature in individuals affected with ITGA2B-related conditions. Advanced modeling of protein sequence and biophysical properties (such as structural, functional, and spatial information, amino acid conservation, physicochemical variation, residue mobility, and thermodynamic stability) performed at Invitae indicates that this missense variant is not expected to disrupt ITGA2B protein function. In summary, the available evidence is currently insufficient to determine the role of this variant in disease. Therefore, it has been classified as a Variant of Uncertain Significance.

NM_000419.5(ITGA2B):c.2510A>G (p.Gln837Arg)

Gene: ITGA2B (integrin subunit alpha 2b; minus strand). Cytogenetic location: 17q21.31.
Variant type: single nucleotide variant.
Coding change: c.2510A>G on transcript NM_000419.5 (MANE Select); coding-DNA position 2510, A replaced by G.
Protein change: p.Gln837Arg; replaces glutamine 837 with arginine.
Molecular consequence: missense variant.
Genome position (GRCh38, 1-based): chr17:44,375,924, T>C on the plus strand (A>G on the coding strand, the complement: ITGA2B is on the minus strand). VCF-style: chr17-44375924-T-C. GRCh37 (hg19) VCF-style: chr17-42453292-T-C.
Other names: short protein forms Q837R.
Identifiers: ClinVar variation 2969418 (VCV002969418.3), dbSNP rs754155772, ClinGen allele CA8602662.
Genomic context (GRCh38, chr17:44,375,924, plus strand): 5'-CACTGAAGGCCCCCCTGGGGCTGTATATCCAGGATGTAGAGCAGGTCGGAGGGCTGGGAC[T>C]GTCCCGGAAGGTGGATGCTGAGGTGAAGACCATTCACAGTCCCAGGGCCATTGTTGTGGA-3'
Protein context (NP_000410.2, residues 827-847): GLHLSIHLPG[Gln837Arg]SQPSDLLYIL